The following is an entry in ClinVar:

ClinVar aggregate classification (germline): Uncertain significance. Review status: criteria provided, multiple submitters, no conflicts (2 of 4 stars). 3 submissions from 3 submitters: Uncertain significance (2). 1 of the submissions does not count toward it. Last evaluated 2025-12-09.

Conditions:
Hereditary cancer-predisposing syndrome. Also called: Neoplastic Syndromes, Hereditary; Tumor predisposition; Hereditary Cancer Syndrome; Hereditary neoplastic syndrome. Identifiers: Orphanet 140162, MedGen C0027672, MeSH D009386, MONDO:0015356.
Familial cancer of breast. Also called: BREAST CANCER, FAMILIAL; Hereditary breast cancer; hereditary breast carcinoma. Identifiers: Orphanet 227535, MedGen C0346153, MONDO:0016419, OMIM 114480. Disease mechanism: loss of function.

Submissions (3):

Labcorp Genetics (formerly Invitae), Labcorp
Classification: Uncertain significance for Familial cancer of breast. Last evaluated: 2025-12-09. Review status: criteria provided, single submitter. Criteria: Invitae Variant Classification Sherloc (09022015). Collection method: clinical testing. Allele origin: germline.
Comment: This variant, c.1697_1699del, results in the deletion of 1 amino acid(s) of the PALB2 protein (p.Arg566del), but otherwise preserves the integrity of the reading frame. This variant is not present in population databases (gnomAD no frequency). This variant has not been reported in the literature in individuals affected with PALB2-related conditions. ClinVar contains an entry for this variant (Variation ID: 819798). Experimental studies and prediction algorithms are not available or were not evaluated, and the functional significance of this variant is currently unknown. In summary, the available evidence is currently insufficient to determine the role of this variant in disease. Therefore, it has been classified as a Variant of Uncertain Significance.

Ambry Genetics
Classification: Uncertain significance for Hereditary cancer-predisposing syndrome. Last evaluated: 2025-09-08. Review status: criteria provided, single submitter. Criteria: Ambry Variant Classification Scheme 2023. Collection method: clinical testing. Allele origin: germline.
Comment: The c.1697_1699delGTC variant (also known as p.R566del) is located in coding exon 5 of the PALB2 gene. This variant results from an in-frame GTC deletion at nucleotide positions 1697 to 1699. This results in the in-frame deletion of an arginine at codon 566. This amino acid position is not well conserved in available vertebrate species. In addition, this alteration is predicted to be neutral by in silico analysis (Choi Y et al. PLoS ONE. 2012; 7(10):e46688). Based on the available evidence, the clinical significance of this variant remains unclear.

Leiden Open Variation Database
Classification: Uncertain significance. Last evaluated: 2018-10-10. Review status: no assertion criteria provided. Collection method: curation. Allele origin: germline. Affected: yes. Not counted in ClinVar's aggregate classification.
Comment: Curators: Marc Tischkowitz, Arleen D. Auerbach. Submitter to LOVD: Yukihide Momozawa.

Literature cited by the submitters: PubMed 30287823 (cited by Ambry Genetics and Leiden Open Variation Database).

NM_024675.4(PALB2):c.1694GTC[1] (p.Arg566del)

Gene: PALB2 (partner and localizer of BRCA2; minus strand). Cytogenetic location: 16p12.2.
Variant type: Microsatellite.
Coding change: c.1694GTC[1] on transcript NM_024675.4 (MANE Select); one copy of the 3-base unit GTC starting at c.1694; the reference has two copies in a row; one copy, 3 bases deleted; also written c.1697_1699del.
Protein change: p.Arg566del; deletes arginine 566.
Molecular consequence: inframe deletion.
Genome position (GRCh38, 1-based): chr16:23,630,455-23,630,457, GAC deleted on the plus strand (GTC on the coding strand, the reverse complement: PALB2 is on the minus strand); deleting any 3 consecutive bases within chr16:23,630,455-23,630,460 gives the same sequence; the position shown is the placement nearest the transcript's 3' end. VCF-style (leftmost placement, unchanged base first): chr16-23630454-TGAC-T. GRCh37 (hg19) VCF-style: chr16-23641775-TGAC-T.
Other names: c.1697_1699del (NM_024675.3); short protein forms R566del.
Identifiers: ClinVar variation 819798 (VCV000819798.15), dbSNP rs1597091471, ClinGen allele CA915949197.
Genomic context (GRCh38, chr16:23,630,454, plus strand): 5'-GCATCATCATCCAAGGATAAATAAGCACTATTACTCCAAGAAAGGGAATCCTCTTTTTGA[TGAC>T]GACTTTTCTTCCCTAAAGAAGAAAAATAAGTCACAAAATAGTAACAAAACCCAACAAAAC-3'